The following is an entry in ClinVar:

NM_000059.4(BRCA2):c.2175del (p.Val726fs)

Gene: BRCA2 (BRCA2 DNA repair associated; plus strand). Cytogenetic location: 13q13.1.
Variant type: Deletion.
Coding change: c.2175del on transcript NM_000059.4 (MANE Select); coding-DNA position 2175, one base deleted (A; older notation c.2175delA).
Protein change: p.Val726fs; shifts the reading frame from valine 726.
Molecular consequence: frameshift variant.
Genome position (GRCh38, 1-based): chr13:32,336,530, A deleted; the last of 6 consecutive A bases (chr13:32,336,525-32,336,530); deleting any one gives the same sequence. VCF-style (leftmost placement, unchanged base first): chr13-32336524-CA-C. GRCh37 (hg19) VCF-style: chr13-32910661-CA-C.
Other names: c.2175delA (NM_000059.3); short protein forms V726fs.
Identifiers: ClinVar variation 926187 (VCV000926187.53), dbSNP rs276174819, ClinGen allele CA1139663108.

ClinVar aggregate classification (germline): Pathogenic. Review status: criteria provided, multiple submitters, no conflicts (2 of 4 stars). 4 submissions from 4 submitters: Pathogenic (4). Last evaluated 2025-07-13.

Conditions:
Familial cancer of breast. Also called: BREAST CANCER, FAMILIAL; Hereditary breast cancer; hereditary breast carcinoma. Identifiers: Orphanet 227535, MedGen C0346153, MONDO:0016419, OMIM 114480. Disease mechanism: loss of function.
Hereditary breast ovarian cancer syndrome. Also called: Hereditary breast and ovarian cancer syndrome; BRCA1- and BRCA2-Associated Hereditary Breast and Ovarian Cancer; Hereditary breast and ovarian cancer; Hereditary breast and ovarian cancer syndrome (HBOC); Breast and ovarian cancer; Hereditary breast and/or ovarian cancer syndrome. Identifiers: Orphanet 145, MedGen C0677776, MeSH D061325, MONDO:0003582. Disease mechanism: loss of function.
Hereditary cancer-predisposing syndrome. Also called: Neoplastic Syndromes, Hereditary; Tumor predisposition; Hereditary Cancer Syndrome; Hereditary neoplastic syndrome. Identifiers: Orphanet 140162, MedGen C0027672, MeSH D009386, MONDO:0015356.

Submissions (4):

Labcorp Genetics (formerly Invitae), Labcorp
Classification: Pathogenic for Hereditary breast ovarian cancer syndrome. Last evaluated: 2025-07-13. Review status: criteria provided, single submitter. Criteria: Invitae Variant Classification Sherloc (09022015). Collection method: clinical testing. Allele origin: germline.
Comment: This sequence change creates a premature translational stop signal (p.Val726Phefs*4) in the BRCA2 gene. It is expected to result in an absent or disrupted protein product. Loss-of-function variants in BRCA2 are known to be pathogenic (PMID: 20104584). This variant is not present in population databases (gnomAD no frequency). This premature translational stop signal has been observed in individual(s) with esophageal squamous cell carcinoma (PMID: 31396961). This variant is also known as c.2170delA (p.K724fs). ClinVar contains an entry for this variant (Variation ID: 926187). For these reasons, this variant has been classified as Pathogenic.

Ambry Genetics
Classification: Pathogenic for Hereditary cancer-predisposing syndrome. Last evaluated: 2024-02-26. Review status: criteria provided, single submitter. Criteria: Ambry Variant Classification Scheme 2023. Collection method: clinical testing. Allele origin: germline.
Comment: The c.2175delA pathogenic mutation, located in coding exon 10 of the BRCA2 gene, results from a deletion of one nucleotide at nucleotide position 2175, causing a translational frameshift with a predicted alternate stop codon (p.V726Ffs*4).This variant was observed in 1 of 123 individuals from a cohort of breast cancer patients (Li Y et al. BMC Cancer, 2022 Nov;22:1125). This variant is considered to be rare based on population cohorts in the Genome Aggregation Database (gnomAD). This alteration is expected to result in loss of function by premature protein truncation or nonsense-mediated mRNA decay. As such, this alteration is interpreted as a disease-causing mutation.

Baylor Genetics
Classification: Pathogenic for Familial cancer of breast. Last evaluated: 2023-12-06. Review status: criteria provided, single submitter. Criteria: ACMG Guidelines, 2015. Collection method: clinical testing. Allele origin: unknown.

Color Diagnostics, LLC DBA Color Health
Classification: Pathogenic for Hereditary cancer-predisposing syndrome. Last evaluated: 2020-01-21. Review status: criteria provided, single submitter. Criteria: ACMG Guidelines, 2015. Collection method: clinical testing. Allele origin: germline.
Comment: This variant deletes 1 nucleotide in exon 11 of the BRCA2 gene, creating a frameshift and premature translation stop signal. This variant is expected to result in an absent or non-functional protein product. Splice site prediction tools suggest that this variant may not impact RNA splicing. To our knowledge, functional studies have not been performed for this variant. This variant has not been reported in individuals affected with hereditary cancer in the literature. This variant has not been identified in the general population by the Genome Aggregation Database (gnomAD). Loss of BRCA2 function is a known mechanism of disease. Based on the available evidence, this variant is classified as Pathogenic.

Literature cited by the submitters: PubMed 20104584 (cited by Labcorp Genetics (formerly Invitae), Labcorp); PubMed 31396961 (cited by Labcorp Genetics (formerly Invitae), Labcorp); PubMed 32719484 (cited by Ambry Genetics); PubMed 36324133 (cited by Ambry Genetics).